The following is an entry in ClinVar:

NM_001130144.3(LTBP3):c.922G>A (p.Gly308Ser)

Gene: LTBP3 (latent transforming growth factor beta binding protein 3; minus strand). Cytogenetic location: 11q13.1.
Variant type: single nucleotide variant.
Coding change: c.922G>A on transcript NM_001130144.3 (MANE Select); coding-DNA position 922, G replaced by A.
Protein change: p.Gly308Ser; replaces glycine 308 with serine.
Molecular consequence: missense variant.
Genome position (GRCh38, 1-based): chr11:65,553,473, C>T on the plus strand (G>A on the coding strand, the complement: LTBP3 is on the minus strand). VCF-style: chr11-65553473-C-T. GRCh37 (hg19) VCF-style: chr11-65320944-C-T.
Other names: c.922G>A (NM_001130144.2); c.571G>A, p.Gly191Ser (NM_001164266.1); c.922G>A, p.Gly308Ser (NM_021070.4); short protein forms G191S, G308S.
Identifiers: ClinVar variation 1907574 (VCV001907574.6), dbSNP rs747359614, ClinGen allele CA6101129.

ClinVar aggregate classification (germline): Uncertain significance. Review status: criteria provided, multiple submitters, no conflicts (2 of 4 stars). 2 submissions from 2 submitters: Uncertain significance (2). Last evaluated 2025-05-08.

Conditions:
Inborn genetic diseases. Identifiers: MedGen C0950123, MeSH D030342.
Brachyolmia-amelogenesis imperfecta syndrome. Also called: PLATYSPONDYLY WITH AMELOGENESIS IMPERFECTA; Tooth agenesis, selective, 6; Dental anomalies and short stature. Identifiers: Orphanet 2899, MedGen C1832594, MONDO:0011018, OMIM 601216. Disease mechanism: loss of function.

Allele frequency attached by ClinVar (database versions not stated): ExAC 0.00001.
gnomAD v4.1: 2 of 1,612,132 alleles (0.00012%); highest among the groups gnomAD compares: South Asian, 0.0011%; no homozygotes.

Submissions (2):

Ambry Genetics
Classification: Uncertain significance for Inborn genetic diseases. Last evaluated: 2025-05-08. Review status: criteria provided, single submitter. Criteria: Ambry Variant Classification Scheme 2023. Collection method: clinical testing. Allele origin: germline.
Comment: The p.G308S variant (also known as c.922G>A), located in coding exon 4 of the LTBP3 gene, results from a G to A substitution at nucleotide position 922. The glycine at codon 308 is replaced by serine, an amino acid with similar properties. This amino acid position is conserved. In addition, this alteration is predicted to be deleterious by in silico analysis. Based on the available evidence, the clinical significance of this variant remains unclear.

Labcorp Genetics (formerly Invitae), Labcorp
Classification: Uncertain significance for Brachyolmia-amelogenesis imperfecta syndrome. Last evaluated: 2022-01-12. Review status: criteria provided, single submitter. Criteria: Invitae Variant Classification Sherloc (09022015). Collection method: clinical testing. Allele origin: germline.
Comment: Algorithms developed to predict the effect of missense changes on protein structure and function are either unavailable or do not agree on the potential impact of this missense change (SIFT: "Deleterious"; PolyPhen-2: "Probably Damaging"; Align-GVGD: "Class C0"). In summary, the available evidence is currently insufficient to determine the role of this variant in disease. Therefore, it has been classified as a Variant of Uncertain Significance. This variant has not been reported in the literature in individuals affected with LTBP3-related conditions. This sequence change replaces glycine, which is neutral and non-polar, with serine, which is neutral and polar, at codon 308 of the LTBP3 protein (p.Gly308Ser). This variant is present in population databases (rs747359614, gnomAD 0.003%).